The following is an entry in ClinVar:

ClinVar aggregate classification (germline): Uncertain significance (1 of 4 stars; one submission).

Conditions:
Hereditary cancer-predisposing syndrome. Also called: Neoplastic Syndromes, Hereditary; Tumor predisposition; Hereditary Cancer Syndrome; Hereditary neoplastic syndrome. Identifiers: Orphanet 140162, MedGen C0027672, MeSH D009386, MONDO:0015356.

Submission:

Ambry Genetics
Classification: Uncertain significance for Hereditary cancer-predisposing syndrome. Last evaluated: 2022-08-23. Review status: criteria provided, single submitter. Criteria: Ambry Variant Classification Scheme 2023. Collection method: clinical testing. Allele origin: germline.
Comment: The p.N35T variant (also known as c.104A>C), located in coding exon 1 of the FLCN gene, results from an A to C substitution at nucleotide position 104. The asparagine at codon 35 is replaced by threonine, an amino acid with similar properties. This amino acid position is conserved. In addition, this alteration is predicted to be tolerated by in silico analysis. Since supporting evidence is limited at this time, the clinical significance of this alteration remains unclear.

NM_144997.7(FLCN):c.104A>C (p.Asn35Thr)

Gene: FLCN (folliculin; minus strand). Cytogenetic location: 17p11.2.
Variant type: single nucleotide variant.
Coding change: c.104A>C on transcript NM_144997.7 (MANE Select); coding-DNA position 104, A replaced by C.
Protein change: p.Asn35Thr; replaces asparagine 35 with threonine.
Molecular consequence: missense variant.
Genome position (GRCh38, 1-based): chr17:17,228,034, T>G on the plus strand (A>C on the coding strand, the complement: FLCN is on the minus strand). VCF-style: chr17-17228034-T-G. GRCh37 (hg19) VCF-style: chr17-17131348-T-G.
Other names: c.104A>C, p.Asn35Thr (NM_001353229.2, NM_001353230.2, NM_001353231.2 and 1 more transcripts); short protein forms N35T.
Identifiers: ClinVar variation 1776475 (VCV001776475.2), dbSNP rs2047310284, ClinGen allele CA398535328.
Genomic context (GRCh38, chr17:17,228,034, plus strand): 5'-TTCATCTGAATGCCACCTTCCTCTTCTTCCGCCTGCTCACCCTGGCCAGGACTGTCCTCA[T>G]TCCCATCCCCTTGAGGAAGTGGGGCGTGCAGCACCTCCGTGCAGAAGAGAGTGCGGGGGC-3'
Protein context (NP_659434.2, residues 25-45): LHAPLPQGDG[Asn35Thr]EDSPGQGEQA